The following is an entry in ClinVar:

ClinVar aggregate classification (germline): Pathogenic (1 of 4 stars; one submission).

Conditions:
Combined immunodeficiency due to LRBA deficiency. Also called: Common variable immunodeficiency 8, with autoimmunity. Identifiers: Orphanet 445018, MedGen C3553512, MONDO:0013863, OMIM 614700.

Allele frequency attached by ClinVar (database versions not stated): gnomAD exomes below 0.00001; TOPMed below 0.00001.
gnomAD v4.1: 5 of 1,608,094 alleles (0.00031%); highest among the groups gnomAD compares: Non-Finnish European, 0.00043%; no homozygotes.

Submission:

Labcorp Genetics (formerly Invitae), Labcorp
Classification: Pathogenic for Combined immunodeficiency due to LRBA deficiency. Last evaluated: 2024-03-07. Review status: criteria provided, single submitter. Criteria: Invitae Variant Classification Sherloc (09022015). Collection method: clinical testing. Allele origin: germline.
Comment: This sequence change affects a donor splice site in intron 3 of the LRBA gene. It is expected to disrupt RNA splicing. Variants that disrupt the donor or acceptor splice site typically lead to a loss of protein function (PMID: 16199547), and loss-of-function variants in LRBA are known to be pathogenic (PMID: 26206937, 26768763). This variant is not present in population databases (gnomAD no frequency). Disruption of this splice site has been observed in individual(s) with clinical features of LRBA-related conditions (Invitae). In at least one individual the data is consistent with being in trans (on the opposite chromosome) from a pathogenic variant. ClinVar contains an entry for this variant (Variation ID: 1361756). Algorithms developed to predict the effect of sequence changes on RNA splicing suggest that this variant may disrupt the consensus splice site. For these reasons, this variant has been classified as Pathogenic.

Literature cited by the submitters: PubMed 16199547; PubMed 26206937; PubMed 26768763.

NM_001364905.1(LRBA):c.448+1G>T

Gene: LRBA (LPS responsive beige-like anchor protein; minus strand). Cytogenetic location: 4q31.3.
Variant type: single nucleotide variant.
Coding change: c.448+1G>T on transcript NM_001364905.1 (MANE Select); the canonical splice donor site of the intron after coding-DNA position 448, G replaced by T.
Molecular consequence: splice donor variant.
Genome position (GRCh38, 1-based): chr4:150,928,833, C>A on the plus strand (G>T on the coding strand, the complement: LRBA is on the minus strand). VCF-style: chr4-150928833-C-A. GRCh37 (hg19) VCF-style: chr4-151849985-C-A.
Other names: c.448+1G>T (NM_001367550.1, NM_006726.5, NM_001199282.3 and 2 more transcripts).
Identifiers: ClinVar variation 1361756 (VCV001361756.8), dbSNP rs1032290659, ClinGen allele CA107836103.